The following is an entry in ClinVar:

ClinVar aggregate classification (germline): Likely benign. Review status: criteria provided, multiple submitters, no conflicts (2 of 4 stars). 7 submissions from 7 submitters: Likely benign (7). Last evaluated 2025-12-23.

Conditions:
Hereditary cancer-predisposing syndrome. Also called: Hereditary neoplastic syndrome; Tumor predisposition; Neoplastic Syndromes, Hereditary; Hereditary Cancer Syndrome. Identifiers: Orphanet 140162, MedGen C0027672, MeSH D009386, MONDO:0015356.
Hereditary breast ovarian cancer syndrome. Also called: Breast and ovarian cancer; Hereditary breast and ovarian cancer syndrome; Hereditary breast and ovarian cancer; Hereditary breast and/or ovarian cancer syndrome; Hereditary breast and ovarian cancer syndrome (HBOC); BRCA1- and BRCA2-Associated Hereditary Breast and Ovarian Cancer. Identifiers: Orphanet 145, MedGen C0677776, MeSH D061325, MONDO:0003582. Disease mechanism: loss of function.
Breast-ovarian cancer, familial, susceptibility to, 2 (BROVCA2). Also called: BRCA2 Hereditary Breast and Ovarian Cancer. Identifiers: Orphanet 145, MedGen C2675520, MONDO:0012933, OMIM 612555. Disease mechanism: loss of function.

Allele frequency attached by ClinVar (database versions not stated): gnomAD exomes below 0.00001; TOPMed 0.00002.

Submissions (7):

Labcorp Genetics (formerly Invitae), Labcorp
Classification: Likely benign for Hereditary breast ovarian cancer syndrome. Last evaluated: 2025-12-23. Review status: criteria provided, single submitter. Criteria: Invitae Variant Classification Sherloc (09022015). Collection method: clinical testing. Allele origin: germline.

Quest Diagnostics Nichols Institute San Juan Capistrano
Classification: Likely benign. Last evaluated: 2025-06-02. Review status: criteria provided, single submitter. Criteria: Quest Diagnostics criteria. Collection method: clinical testing. Allele origin: unknown.

All of Us Research Program, National Institutes of Health
Classification: Likely benign for Breast-ovarian cancer, familial, susceptibility to, 2. Last evaluated: 2023-10-23. Review status: criteria provided, single submitter. Criteria: ACMG Guidelines, 2015. Collection method: clinical testing. Allele origin: germline. Inheritance: Autosomal dominant inheritance. Observed: 3 variant alleles, 3 heterozygotes.
Comment: This study involves interpretation of variants in research participants for the purpose of population health screening. Participant phenotype was not available at the time of variant classification. Additional details can be found in publication PMID: 35346344, PMCID: PMC8962531

GeneDx
Classification: Likely benign. Last evaluated: 2020-08-03. Review status: criteria provided, single submitter. Criteria: GeneDx Variant Classification Process June 2021. Collection method: clinical testing. Allele origin: germline. Affected: yes.

Women's Health and Genetics/Laboratory Corporation of America, LabCorp
Classification: Likely benign. Last evaluated: 2017-01-18. Review status: criteria provided, single submitter. Criteria: LabCorp Variant Classification Summary - May 2015. Collection method: clinical testing. Allele origin: germline.
Comment: Variant summary: The BRCA2 c.6132C>A (p.Gly2044Gly) variant involves the alteration of a non-conserved nucleotide, resulting in a synonymous change. One in silico tool predicts a benign outcome for this variant. 5/5 splice prediction tools predict no significant impact on normal splicing. This variant is absent in 120848 control chromosomes. The variant of interest has not, to our knowledge, been reported in affected individuals via publications and/or reputable databases/clinical diagnostic laboratories; nor evaluated for functional impact by in vivo/vitro studies. Taken together, this variant is classified as likely benign.

Color Diagnostics, LLC DBA Color Health
Classification: Likely benign for Hereditary cancer-predisposing syndrome. Last evaluated: 2016-10-11. Review status: criteria provided, single submitter. Criteria: ACMG Guidelines, 2015. Collection method: clinical testing. Allele origin: germline.

Ambry Genetics
Classification: Likely benign for Hereditary cancer-predisposing syndrome. Last evaluated: 2016-04-22. Review status: criteria provided, single submitter. Criteria: Ambry Variant Classification Scheme 2023. Collection method: clinical testing. Allele origin: germline.

NM_000059.4(BRCA2):c.6132C>A (p.Gly2044=)

Gene: BRCA2 (BRCA2 DNA repair associated; plus strand). Cytogenetic location: 13q13.1.
Variant type: single nucleotide variant.
Coding change: c.6132C>A on transcript NM_000059.4 (MANE Select); coding-DNA position 6132, C replaced by A.
Protein change: p.Gly2044=; no amino-acid change (glycine 2044 retained).
Molecular consequence: synonymous variant.
Genome position (GRCh38, 1-based): chr13:32,340,487, C>A. VCF-style: chr13-32340487-C-A. GRCh37 (hg19) VCF-style: chr13-32914624-C-A.
Identifiers: ClinVar variation 379824 (VCV000379824.22), dbSNP rs1057520745, ClinGen allele CA16606689.